The following is an entry in ClinVar:

ClinVar aggregate classification (germline): Uncertain significance. Review status: criteria provided, multiple submitters, no conflicts (2 of 4 stars). 2 submissions from 2 submitters: Uncertain significance (2). Last evaluated 2026-01-05.

Conditions:
Inborn genetic diseases. Identifiers: MedGen C0950123, MeSH D030342.

Allele frequency attached by ClinVar (database versions not stated): gnomAD 0.00002; gnomAD exomes 0.00002; TOPMed 0.00002.
gnomAD v4.1: 12 of 1,538,972 alleles (0.00078%); highest among the groups gnomAD compares: East Asian, 0.029%; no homozygotes.

Submissions (2):

Labcorp Genetics (formerly Invitae), Labcorp
Classification: Uncertain significance. Last evaluated: 2026-01-05. Review status: criteria provided, single submitter. Criteria: Invitae Variant Classification Sherloc (09022015). Collection method: clinical testing. Allele origin: germline.
Comment: This sequence change replaces threonine, which is neutral and polar, with methionine, which is neutral and non-polar, at codon 70 of the SLC1A4 protein (p.Thr70Met). This variant is present in population databases (rs572324602, gnomAD 0.1%). This variant has not been reported in the literature in individuals affected with SLC1A4-related conditions. ClinVar contains an entry for this variant (Variation ID: 1950454). An algorithm developed to predict the effect of missense changes on protein structure and function (PolyPhen-2) suggests that this variant is likely to be disruptive. In summary, the available evidence is currently insufficient to determine the role of this variant in disease. Therefore, it has been classified as a Variant of Uncertain Significance.

Ambry Genetics
Classification: Uncertain significance for Inborn genetic diseases. Last evaluated: 2023-10-06. Review status: criteria provided, single submitter. Criteria: Ambry Variant Classification Scheme 2023. Collection method: clinical testing. Allele origin: germline.

NM_003038.5(SLC1A4):c.209C>T (p.Thr70Met)

Gene: SLC1A4 (solute carrier family 1 member 4; plus strand). Cytogenetic location: 2p14.
Variant type: single nucleotide variant.
Coding change: c.209C>T on transcript NM_003038.5 (MANE Select); coding-DNA position 209, C replaced by T.
Protein change: p.Thr70Met; replaces threonine 70 with methionine.
Molecular consequence: missense variant. On other transcripts: intron variant (3).
Genome position (GRCh38, 1-based): chr2:64,989,852, C>T. VCF-style: chr2-64989852-C-T. GRCh37 (hg19) VCF-style: chr2-65216986-C-T.
Other names: c.-134+1232C>T (NM_001348406.2, NM_001193493.2); c.-134+1298C>T (NM_001348407.2); c.209C>T (NM_003038.4); short protein forms T70M.
Identifiers: ClinVar variation 1950454 (VCV001950454.5), dbSNP rs572324602, ClinGen allele CA1685840.